The following is an entry in ClinVar:

ClinVar aggregate classification (germline): Uncertain significance. Review status: criteria provided, multiple submitters, no conflicts (2 of 4 stars). 2 submissions from 2 submitters: Uncertain significance (2). Last evaluated 2024-12-02.

Conditions:
Hereditary cancer-predisposing syndrome. Also called: Neoplastic Syndromes, Hereditary; Hereditary neoplastic syndrome; Tumor predisposition; Hereditary Cancer Syndrome. Identifiers: Orphanet 140162, MedGen C0027672, MeSH D009386, MONDO:0015356.
Cardiovascular phenotype. Identifiers: MedGen CN230736.
Neurofibromatosis, type 1 (NF1). Also called: Peripheral type neurofibromatosis; VON RECKLINGHAUSEN DISEASE; Neurofibromatosis, type I; NEUROFIBROMATOSIS, TYPE I, SOMATIC. Identifiers: Orphanet 636, MedGen C0027831, MONDO:0018975, OMIM 162200. Disease mechanism: loss of function.

Allele frequency attached by ClinVar (database versions not stated): gnomAD exomes below 0.00001 and 0.00001; gnomAD 0.00001; ExAC 0.00002.
gnomAD v4.1: 5 of 1,614,008 alleles (0.00031%); highest among the groups gnomAD compares: Admixed American, 0.0017%; no homozygotes.

Submissions (2):

Ambry Genetics
Classification: Uncertain significance for Cardiovascular phenotype; Hereditary cancer-predisposing syndrome. Last evaluated: 2024-12-02. Review status: criteria provided, single submitter. Criteria: Ambry Variant Classification Scheme 2023. Collection method: clinical testing. Allele origin: germline.
Comment: The p.F2135L variant (also known as c.6405C>G), located in coding exon 42 of the NF1 gene, results from a C to G substitution at nucleotide position 6405. The phenylalanine at codon 2135 is replaced by leucine, an amino acid with highly similar properties. This amino acid position is highly conserved in available vertebrate species. In addition, this alteration is predicted to be deleterious by in silico analysis. Based on the available evidence, the clinical significance of this variant remains unclear.

Labcorp Genetics (formerly Invitae), Labcorp
Classification: Uncertain significance for Neurofibromatosis, type 1. Last evaluated: 2024-11-18. Review status: criteria provided, single submitter. Criteria: Invitae Variant Classification Sherloc (09022015). Collection method: clinical testing. Allele origin: germline.
Comment: This sequence change replaces phenylalanine, which is neutral and non-polar, with leucine, which is neutral and non-polar, at codon 2135 of the NF1 protein (p.Phe2135Leu). This variant is present in population databases (rs768464936, gnomAD 0.003%). This variant has not been reported in the literature in individuals affected with NF1-related conditions. ClinVar contains an entry for this variant (Variation ID: 841354). Invitae Evidence Modeling of protein sequence and biophysical properties (such as structural, functional, and spatial information, amino acid conservation, physicochemical variation, residue mobility, and thermodynamic stability) has been performed for this missense variant. However, the output from this modeling did not meet the statistical confidence thresholds required to predict the impact of this variant on NF1 protein function. In summary, the available evidence is currently insufficient to determine the role of this variant in disease. Therefore, it has been classified as a Variant of Uncertain Significance.

NM_001042492.3(NF1):c.6468C>G (p.Phe2156Leu)

Gene: NF1 (neurofibromin 1; plus strand). Cytogenetic location: 17q11.2.
Variant type: single nucleotide variant.
Coding change: c.6468C>G on transcript NM_001042492.3 (MANE Select); coding-DNA position 6468, C replaced by G.
Protein change: p.Phe2156Leu; replaces phenylalanine 2156 with leucine.
Molecular consequence: missense variant.
Genome position (GRCh38, 1-based): chr17:31,337,408, C>G. VCF-style: chr17-31337408-C-G. GRCh37 (hg19) VCF-style: chr17-29664426-C-G.
Other names: c.6405C>G, p.Phe2135Leu (NM_000267.4); short protein forms F2135L, F2156L.
Identifiers: ClinVar variation 841354 (VCV000841354.10), dbSNP rs768464936, ClinGen allele CA8487360.